The following is an entry in ClinVar:

ClinVar aggregate classification (germline): Uncertain significance. Review status: criteria provided, multiple submitters, no conflicts (2 of 4 stars). 2 submissions from 2 submitters: Uncertain significance (2). Last evaluated 2024-04-01.

Conditions:
Gorlin syndrome. Also called: Nevoid Basal Cell Carcinoma Syndrome; Basal cell nevus syndrome. Identifiers: Orphanet 377, MedGen C0004779, MONDO:0007187.

Submissions (2):

GeneDx
Classification: Uncertain significance. Last evaluated: 2024-04-01. Review status: criteria provided, single submitter. Criteria: GeneDx Variant Classification Process June 2021. Collection method: clinical testing. Allele origin: germline. Affected: yes.
Comment: Not observed at significant frequency in large population cohorts (gnomAD); In silico analysis supports that this missense variant has a deleterious effect on protein structure/function; Has not been previously published as pathogenic or benign to our knowledge; This variant is associated with the following publications: (PMID: 8906794)

Labcorp Genetics (formerly Invitae), Labcorp
Classification: Uncertain significance for Gorlin syndrome. Last evaluated: 2019-10-15. Review status: criteria provided, single submitter. Criteria: Invitae Variant Classification Sherloc (09022015). Collection method: clinical testing. Allele origin: germline.
Comment: This variant is not present in population databases (ExAC no frequency). This sequence change replaces glutamic acid with alanine at codon 122 of the PTCH1 protein (p.Glu122Ala). The glutamic acid residue is moderately conserved and there is a moderate physicochemical difference between glutamic acid and alanine. This variant has not been reported in the literature in individuals with PTCH1-related conditions. In summary, the available evidence is currently insufficient to determine the role of this variant in disease. Therefore, it has been classified as a Variant of Uncertain Significance. Algorithms developed to predict the effect of missense changes on protein structure and function are either unavailable or do not agree on the potential impact of this missense change (SIFT: "Tolerated"; PolyPhen-2: "Probably Damaging"; Align-GVGD: "Class C0").

NM_000264.5(PTCH1):c.365A>C (p.Glu122Ala)

Gene: PTCH1 (patched 1; minus strand). Cytogenetic location: 9q22.32.
Variant type: single nucleotide variant.
Coding change: c.365A>C on transcript NM_000264.5 (MANE Select); coding-DNA position 365, A replaced by C.
Protein change: p.Glu122Ala; replaces glutamic acid 122 with alanine.
Molecular consequence: missense variant. On other transcripts: 5 prime UTR variant (4), non-coding transcript variant (1).
Genome position (GRCh38, 1-based): chr9:95,506,436, T>G on the plus strand (A>C on the coding strand, the complement: PTCH1 is on the minus strand). VCF-style: chr9-95506436-T-G. GRCh37 (hg19) VCF-style: chr9-98268718-T-G.
Other names: c.167A>C, p.Glu56Ala (NM_001083602.3, NM_001354919.2); c.362A>C, p.Glu121Ala (NM_001083603.3); c.-89A>C (NM_001083604.3, NM_001083605.3, NM_001083606.3 and 1 more transcripts); c.365A>C, p.Glu122Ala (NM_001354918.2); short protein forms E56A, E122A, E121A.
Identifiers: ClinVar variation 969214 (VCV000969214.11), dbSNP rs1843650243, ClinGen allele CA374120192.
Genomic context (GRCh38, chr9:95,506,436, plus strand): 5'-GGGGCGCGGGCGCCGCGGCGGGCGCTCTTACCTTCCACCCACAGCTCCTCCACGTTGGTC[T>G]CGAGGTTCGCTGCTTTTAATCCCACCGCGAAGGCCCCAAATATGAGGAGGCCCACAACCA-3'
Protein context (NP_000255.2, residues 112-132): FAVGLKAANL[Glu122Ala]TNVEELWVEV